The following is an entry in ClinVar:

NM_001166114.2(PNPLA6):c.3517C>T (p.Arg1173Trp)

Gene: PNPLA6 (patatin like domain 6, lysophospholipase; plus strand). Cytogenetic location: 19p13.2.
Variant type: single nucleotide variant.
Coding change: c.3517C>T on transcript NM_001166114.2 (MANE Select); coding-DNA position 3517, C replaced by T.
Protein change: p.Arg1173Trp; replaces arginine 1173 with tryptophan.
Molecular consequence: missense variant.
Genome position (GRCh38, 1-based): chr19:7,558,969, C>T. VCF-style: chr19-7558969-C-T. GRCh37 (hg19) VCF-style: chr19-7623855-C-T.
Other names: c.3547C>T (NM_001166111.1); c.3547C>T, p.Arg1183Trp (NM_001166111.2); c.3322C>T, p.Arg1108Trp (NM_001166112.2); c.3403C>T, p.Arg1135Trp (NM_001166113.1, NM_006702.5); short protein forms R1183W, R1173W, R1135W, R1108W.
Identifiers: ClinVar variation 657877 (VCV000657877.40), dbSNP rs766389806, ClinGen allele CA9140502.

ClinVar aggregate classification (germline): Conflicting classifications of pathogenicity. Review status: criteria provided, conflicting classifications (1 of 4 stars). 6 submissions from 6 submitters: Pathogenic (3); Likely pathogenic (2); Uncertain significance (1). Last evaluated 2026-01-26.

Conditions:
Hereditary spastic paraplegia 39 (SPG39). Also called: SPASTIC PARAPLEGIA 39, AUTOSOMAL RECESSIVE; Spastic Paraplegia Type 39 (SPG39). Identifiers: Orphanet 139480, MedGen C2677586, MONDO:0012787, OMIM 612020.
Retinal dystrophy-ataxia-pituitary hormone abnormality-hypogonadism syndrome. Identifiers: MedGen CN322576, MONDO:0100155.
PNPLA6-related disorder. Also called: PNPLA6-related condition; PNPLA6-related disorders.

Allele frequency attached by ClinVar (database versions not stated): TOPMed 0.00002.
gnomAD v4.1: 26 of 1,614,024 alleles (0.0016%); highest among the groups gnomAD compares: East Asian, 0.0022%; no homozygotes.

Submissions (6):

Medical and Scientific Branch, Hong Kong Genome Institute
Classification: Likely pathogenic for Retinal dystrophy-ataxia-pituitary hormone abnormality-hypogonadism syndrome. Last evaluated: 2026-01-26. Review status: criteria provided, single submitter. Criteria: ACMG Guidelines, 2015. Collection method: clinical testing. Allele origin: unknown. Affected: yes.

GeneDx
Classification: Pathogenic. Last evaluated: 2025-09-23. Review status: criteria provided, single submitter. Criteria: GeneDx Variant Classification Process June 2021. Collection method: clinical testing. Allele origin: germline.
Comment: Not observed at significant frequency in large population cohorts (gnomAD); In silico analysis supports that this missense variant has a deleterious effect on protein structure/function; This variant is associated with the following publications: (PMID: 32586184, 32758583, 28559085, 35198007, 35069422, 38219857, 34234304, 33141049, 38735647)

Labcorp Genetics (formerly Invitae), Labcorp
Classification: Pathogenic for Hereditary spastic paraplegia 39. Last evaluated: 2025-07-28. Review status: criteria provided, single submitter. Criteria: Invitae Variant Classification Sherloc (09022015). Collection method: clinical testing. Allele origin: germline.
Comment: This sequence change replaces arginine, which is basic and polar, with tryptophan, which is neutral and slightly polar, at codon 1135 of the PNPLA6 protein (p.Arg1135Trp). This variant is present in population databases (rs766389806, gnomAD 0.01%). This missense change has been observed in individual(s) with Boucher-Neuhäuser syndrome, Oliver-McFarlane syndrome, and/or retinal disease (PMID: 28559085, 32586184, 33141049, 35069422). In at least one individual the data is consistent with being in trans (on the opposite chromosome) from a pathogenic variant. This variant is also known as c.3547C>T (p.Arg1183Trp). ClinVar contains an entry for this variant (Variation ID: 657877). Invitae Evidence Modeling of protein sequence and biophysical properties (such as structural, functional, and spatial information, amino acid conservation, physicochemical variation, residue mobility, and thermodynamic stability) indicates that this missense variant is expected to disrupt PNPLA6 protein function with a positive predictive value of 80%. This variant disrupts the p.Arg1135 amino acid residue in PNPLA6. Other variant(s) that disrupt this residue have been determined to be pathogenic (PMID: 31135245, 31712030). This suggests that this residue is clinically significant, and that variants that disrupt this residue are likely to be disease-causing. For these reasons, this variant has been classified as Pathogenic.

PreventionGenetics, part of Exact Sciences
Classification: Likely pathogenic for PNPLA6-related condition. Last evaluated: 2025-07-09. Review status: criteria provided, single submitter. Criteria: ACMG Guidelines, 2015. Collection method: clinical testing. Allele origin: germline.
Comment: The PNPLA6 c.3547C>T variant is predicted to result in the amino acid substitution p.Arg1183Trp. This variant, alternately referred to c.3403C>T (p.Arg1135Trp) on transcript NM_006702 or c.3517C>T (p.Arg1173Trp) on transcript NM_001166114, has been reported in individuals with autosomal recessive retinal disease or Boucher-Neuhauser syndrome (see for example: Supplementary table 1, Stone et al. 2017. PubMed ID: 28559085; Table 2, Benkirane et al. 2021. PubMed ID: 34234304; Table S1, Lin et al 2024. PubMed ID: 38219857). This variant has been shown to impact protein function (Liu et al. 2024. PubMed ID: 38735647). This variant is reported in 0.0099% of alleles in individuals of Ashkenazi Jewish descent in gnomAD. This variant is interpreted as likely pathogenic.

CeGaT Center for Human Genetics Tuebingen
Classification: Uncertain significance. Last evaluated: 2023-09-01. Review status: criteria provided, single submitter. Criteria: CeGaT Center For Human Genetics Tuebingen Variant Classification Criteria Version 2. Collection method: clinical testing. Allele origin: germline. Affected: yes. Observed: 1 variant allele.
Comment: PNPLA6: PM2, PM5

Blueprint Genetics
Classification: Pathogenic for PNPLA6-related disorders. Last evaluated: 2022-03-01. Review status: criteria provided, single submitter. Criteria: ACMG Guidelines, 2015. Collection method: clinical testing. Allele origin: germline. Affected: yes. Observed: 5 variant alleles.

Literature cited by the submitters: PubMed 28559085 (cited by Labcorp Genetics (formerly Invitae), Labcorp); PubMed 32586184 (cited by Labcorp Genetics (formerly Invitae), Labcorp); PubMed 33141049 (cited by Labcorp Genetics (formerly Invitae), Labcorp); PubMed 35069422 (cited by Labcorp Genetics (formerly Invitae), Labcorp); PubMed 31135245 (cited by Labcorp Genetics (formerly Invitae), Labcorp); PubMed 31712030 (cited by Labcorp Genetics (formerly Invitae), Labcorp).